The following is an entry in ClinVar:

NM_004006.3(DMD):c.3858A>C (p.Glu1286Asp)

Gene: DMD (dystrophin; minus strand). Cytogenetic location: Xp21.1.
Variant type: single nucleotide variant.
Coding change: c.3858A>C on transcript NM_004006.3 (MANE Select); coding-DNA position 3858, A replaced by C.
Protein change: p.Glu1286Asp; replaces glutamic acid 1286 with aspartic acid.
Molecular consequence: missense variant.
Genome position (GRCh38, 1-based): chrX:32,441,243, T>G on the plus strand (A>C on the coding strand, the complement: DMD is on the minus strand). VCF-style: chrX-32441243-T-G. GRCh37 (hg19) VCF-style: chrX-32459360-T-G.
Other names: c.3834A>C, p.Glu1278Asp (NM_000109.4); c.3846A>C, p.Glu1282Asp (NM_004009.3); c.3489A>C, p.Glu1163Asp (NM_004010.3); short protein forms E1163D, E1282D, E1278D, E1286D.
Identifiers: ClinVar variation 2723542 (VCV002723542.3), dbSNP rs2524126020, ClinGen allele CA412670391.

ClinVar aggregate classification (germline): Uncertain significance (1 of 4 stars; one submission).

Conditions:
Duchenne muscular dystrophy (DMD). Also called: MUSCULAR DYSTROPHY, PSEUDOHYPERTROPHIC PROGRESSIVE, DUCHENNE TYPE; Duchenne Muscular Dystrophy (DMD). Identifiers: Orphanet 98896, MedGen C0013264, MONDO:0010679, OMIM 310200.

Submission:

Labcorp Genetics (formerly Invitae), Labcorp
Classification: Uncertain significance for Duchenne muscular dystrophy. Last evaluated: 2023-06-14. Review status: criteria provided, single submitter. Criteria: Invitae Variant Classification Sherloc (09022015). Collection method: clinical testing. Allele origin: germline.
Comment: In summary, the available evidence is currently insufficient to determine the role of this variant in disease. Therefore, it has been classified as a Variant of Uncertain Significance. Advanced modeling of protein sequence and biophysical properties (such as structural, functional, and spatial information, amino acid conservation, physicochemical variation, residue mobility, and thermodynamic stability) performed at Invitae indicates that this missense variant is not expected to disrupt DMD protein function. This variant has not been reported in the literature in individuals affected with DMD-related conditions. This variant is not present in population databases (gnomAD no frequency). This sequence change replaces glutamic acid, which is acidic and polar, with aspartic acid, which is acidic and polar, at codon 1286 of the DMD protein (p.Glu1286Asp).